The following is an entry in ClinVar:

NM_152296.5(ATP1A3):c.2689-1G>T

Gene: ATP1A3 (ATPase Na+/K+ transporting subunit alpha 3; minus strand). Cytogenetic location: 19q13.2.
Variant type: single nucleotide variant.
Coding change: c.2689-1G>T on transcript NM_152296.5 (MANE Select); the canonical splice acceptor site of the intron before coding-DNA position 2689, G replaced by T.
Molecular consequence: splice acceptor variant.
Genome position (GRCh38, 1-based): chr19:41,968,916, C>A on the plus strand (G>T on the coding strand, the complement: ATP1A3 is on the minus strand). VCF-style: chr19-41968916-C-A. GRCh37 (hg19) VCF-style: chr19-42473068-C-A.
Other names: c.2728-1G>T (NM_001256214.2); c.2722-1G>T (NM_001256213.2).
Identifiers: ClinVar variation 1064593 (VCV001064593.3), dbSNP rs2145944794, ClinGen allele CA406036497.

ClinVar aggregate classification (germline): Likely pathogenic (1 of 4 stars; one submission).

Conditions:
Dystonia 12 (DYT12). Also called: Rapid-Onset Dystonia-Parkinsonism (RDP); DYT-ATP1A3. Identifiers: Orphanet 71517, MedGen C1868681, MONDO:0007496, OMIM 128235.

Submission:

Kids Neuroscience Centre, Sydney Children's Hospitals Network
Classification: Likely pathogenic for Dystonia 12. Review status: criteria provided, single submitter. Criteria: Bournazos AM et al. (Genet Med 2021). Collection method: clinical testing. Allele origin: unknown. Inheritance: Autosomal dominant inheritance. Affected: yes. Observed: 1 heterozygote.
Comment: mRNA studies confirm the c.2689-1G>T variant induces abnormal splicing of ATP1A3 transcripts in mRNA derived from blood. Two abnormal splicing events: (1) Intron 19 retention (r.2688_2689ins[2688+1_2689-1;g>u]; p.(Thr897Valfs*119)) (2) Use of a cryptic 3’-splice site (r.2689_2700del; p.(Thr897_Gln900del)). Intron 19 retention encodes 118 missense amino acids and a premature termination codon (p.(Thr897Valfs*119)). These transcripts are predicted to be targeted by nonsense-mediated decay (NMD). Any mis-spliced ATP1A3 transcripts that escape NMD encode ATP1A3 protein lacking 352 amino acids from the C-terminus which encodes the ATPase, P-type cation exchange domain. Use of the cryptic 3’-splice site results in an in -frame deletion of 4 amino acids from the ATPase, P -type cation exchange domain (p.(Thr897_Gln900del)). These transcripts are not predicted to be degraded by NMD. Frameshift, nonsense and missense variants in ATP1A3 are commonly reported in ClinVar as pathogenic variants. Therefore, use of the cryptic 3’-splice site and intron 19 retention induced by the c.2689-1G>T variant are consistent with the known pathogenetic mechanism in ATP1A3 related dystonia (OMIM # 128235). Exon 20 is a canonical exon in the predominant ATP1A3 transcripts expressed in blood and brain, therefore splicing outcomes observed in blood-derived mRNA hold relevance to the manifesting tissue (brain).